The following is an entry in ClinVar:

NM_001375524.1(TRRAP):c.2349T>C (p.Leu783=)

Gene: TRRAP (transformation/transcription domain associated protein; plus strand). Cytogenetic location: 7q22.1.
Variant type: single nucleotide variant.
Coding change: c.2349T>C on transcript NM_001375524.1 (MANE Select); coding-DNA position 2349, T replaced by C.
Protein change: p.Leu783=; no amino-acid change (leucine 783 retained).
Molecular consequence: synonymous variant.
Genome position (GRCh38, 1-based): chr7:98,915,872, T>C. VCF-style: chr7-98915872-T-C. GRCh37 (hg19) VCF-style: chr7-98513495-T-C.
Other names: c.2349T>C (NM_003496.3); c.2349T>C, p.Leu783= (NM_001244580.2, NM_003496.4).
Identifiers: ClinVar variation 2905231 (VCV002905231.4), dbSNP rs142820795, ClinGen allele CA4359739.

ClinVar aggregate classification (germline): Likely benign. Review status: criteria provided, single submitter (1 of 4 stars). 2 submissions from 2 submitters: Likely benign (1). 1 of the submissions does not count toward it. Last evaluated 2025-01-30.

Conditions:
TRRAP-related disorder. Also called: TRRAP-related condition.

Allele frequency attached by ClinVar (database versions not stated): ExAC 0.00010; gnomAD 0.00015; TOPMed 0.00023; ESP Exome Variant Server 0.00031; 1000 Genomes Project 0.00080; 1000 Genomes Project 30x 0.00094.
gnomAD v4.1: 42 of 1,614,188 alleles (0.0026%); highest among the groups gnomAD compares: African/African-American, 0.051%; no homozygotes.

Submissions (2):

Labcorp Genetics (formerly Invitae), Labcorp
Classification: Likely benign. Last evaluated: 2025-01-30. Review status: criteria provided, single submitter. Criteria: Invitae Variant Classification Sherloc (09022015). Collection method: clinical testing. Allele origin: germline.

PreventionGenetics, part of Exact Sciences
Classification: Likely benign for TRRAP-related condition. Last evaluated: 2024-09-09. Review status: no assertion criteria provided. Collection method: clinical testing. Allele origin: germline. Not counted in ClinVar's aggregate classification.
Comment: This variant is classified as likely benign based on ACMG/AMP sequence variant interpretation guidelines (Richards et al. 2015 PMID: 25741868, with internal and published modifications).